The following is an entry in ClinVar:

ClinVar aggregate classification (germline): Uncertain significance. Review status: criteria provided, multiple submitters, no conflicts (2 of 4 stars). 3 submissions from 3 submitters: Uncertain significance (3). Last evaluated 2022-12-18.

Conditions:
Microcephaly, normal intelligence and immunodeficiency (NBS). Also called: BERLIN BREAKAGE SYNDROME; Ataxia telangiectasia variant V1; IMMUNODEFICIENCY, MICROCEPHALY, AND CHROMOSOMAL INSTABILITY; SEEMANOVA SYNDROME II; Immunodeficiency, microcephaly with normal intelligence; Nijmegen breakage syndrome. Identifiers: Orphanet 647, MedGen C0398791, MONDO:0009623, OMIM 251260.
Hereditary cancer-predisposing syndrome. Also called: Tumor predisposition; Neoplastic Syndromes, Hereditary; Hereditary Cancer Syndrome; Hereditary neoplastic syndrome. Identifiers: Orphanet 140162, MedGen C0027672, MeSH D009386, MONDO:0015356.

Submissions (3):

Ambry Genetics
Classification: Uncertain significance for Hereditary cancer-predisposing syndrome. Last evaluated: 2022-12-18. Review status: criteria provided, single submitter. Criteria: Ambry Variant Classification Scheme 2023. Collection method: clinical testing. Allele origin: germline.
Comment: The p.R456S variant (also known as c.1368A>C), located in coding exon 10 of the NBN gene, results from an A to C substitution at nucleotide position 1368. The arginine at codon 456 is replaced by serine, an amino acid with dissimilar properties. This amino acid position is not well conserved in available vertebrate species. In addition, this alteration is predicted to be tolerated by in silico analysis. Since supporting evidence is limited at this time, the clinical significance of this alteration remains unclear.

Genome-Nilou Lab
Classification: Uncertain significance for Microcephaly, normal intelligence and immunodeficiency. Last evaluated: 2021-11-07. Review status: criteria provided, single submitter. Criteria: ACMG Guidelines, 2015. Collection method: clinical testing. Allele origin: germline. Affected: no.

Labcorp Genetics (formerly Invitae), Labcorp
Classification: Uncertain significance for Microcephaly, normal intelligence and immunodeficiency. Last evaluated: 2021-07-29. Review status: criteria provided, single submitter. Criteria: Invitae Variant Classification Sherloc (09022015). Collection method: clinical testing. Allele origin: germline.
Comment: In summary, the available evidence is currently insufficient to determine the role of this variant in disease. Therefore, it has been classified as a Variant of Uncertain Significance. Algorithms developed to predict the effect of missense changes on protein structure and function (SIFT, PolyPhen-2, Align-GVGD) all suggest that this variant is likely to be tolerated. ClinVar contains an entry for this variant (Variation ID: 627712). This variant has not been reported in the literature in individuals affected with NBN-related conditions. This variant is not present in population databases (ExAC no frequency). This sequence change replaces arginine with serine at codon 456 of the NBN protein (p.Arg456Ser). The arginine residue is weakly conserved and there is a moderate physicochemical difference between arginine and serine.

NM_002485.5(NBN):c.1368A>C (p.Arg456Ser)

Gene: NBN (nibrin; minus strand). Cytogenetic location: 8q21.3.
Variant type: single nucleotide variant.
Coding change: c.1368A>C on transcript NM_002485.5 (MANE Select); coding-DNA position 1368, A replaced by C.
Protein change: p.Arg456Ser; replaces arginine 456 with serine.
Molecular consequence: missense variant.
Genome position (GRCh38, 1-based): chr8:89,955,312, T>G on the plus strand (A>C on the coding strand, the complement: NBN is on the minus strand). VCF-style: chr8-89955312-T-G. GRCh37 (hg19) VCF-style: chr8-90967540-T-G.
Other names: c.1122A>C, p.Arg374Ser (NM_001024688.3); short protein forms R456S, R374S.
Identifiers: ClinVar variation 627712 (VCV000627712.17), dbSNP rs1554559036, ClinGen allele CA371656014.
Genomic context (GRCh38, chr8:89,955,312, plus strand): 5'-AGAGACATGAGAGAAGTTATCAAAAACAGACCTTTTTTTGGTAGACGGCTGAAAGTAGTT[T>G]CTGATGGAGTTGGTCTGCTGCTGCTGAGAAGCCCTATCTTTACTTTTATTTATACTTGGC-3'
Protein context (NP_002476.2, residues 446-466): ASQQQQTNSI[Arg456Ser]NYFQPSTKKR